The following is an entry in ClinVar:

NM_001853.4(COL9A3):c.346G>A (p.Gly116Ser)

Gene: COL9A3 (collagen type IX alpha 3 chain; plus strand). Cytogenetic location: 20q13.33.
Variant type: single nucleotide variant.
Coding change: c.346G>A on transcript NM_001853.4 (MANE Select); coding-DNA position 346, G replaced by A.
Protein change: p.Gly116Ser; replaces glycine 116 with serine.
Molecular consequence: missense variant.
Genome position (GRCh38, 1-based): chr20:62,821,507, G>A. VCF-style: chr20-62821507-G-A. GRCh37 (hg19) VCF-style: chr20-61452859-G-A.
Other names: short protein forms G116S.
Identifiers: ClinVar variation 1313942 (VCV001313942.2), dbSNP rs1362214057, ClinGen allele CA409588216.

ClinVar aggregate classification (germline): Uncertain significance (1 of 4 stars; one submission).

Allele frequency attached by ClinVar (database versions not stated): gnomAD exomes below 0.00001; TOPMed below 0.00001; gnomAD 0.00001.
gnomAD v4.1: 3 of 1,612,768 alleles (0.00019%); highest among the groups gnomAD compares: Non-Finnish European, 0.00025%; no homozygotes.

Submission:

GeneDx
Classification: Uncertain significance. Last evaluated: 2021-01-14. Review status: criteria provided, single submitter. Criteria: GeneDx Variant Classification Process June 2021. Collection method: clinical testing. Allele origin: germline. Affected: yes.
Comment: Has not been previously published as pathogenic or benign to our knowledge; Not observed in large population cohorts (Lek et al., 2016); In silico analysis supports that this missense variant does not alter protein structure/function